The following is an entry in ClinVar:

NM_015443.4(KANSL1):c.1138T>C (p.Leu380=)

Gene: KANSL1 (KAT8 regulatory NSL complex subunit 1). Cytogenetic location: 17q21.31.
Variant type: single nucleotide variant.
Coding change: c.1138T>C on transcript NM_015443.4 (MANE Select); coding-DNA position 1138, T replaced by C.
Protein change: p.Leu380=; no amino-acid change (leucine 380 retained).
Molecular consequence: synonymous variant.
Genome position (GRCh38, 1-based): chr17:46,171,006, A>G on the plus strand (T>C on the coding strand, the complement: KANSL1 is on the minus strand). VCF-style: chr17-46171006-A-G. GRCh37 (hg19) VCF-style: chr17-44248372-A-G.
Other names: c.1138T>C, p.Leu380= (NM_001193465.2, NM_001193466.2, NM_001379198.1).
Identifiers: ClinVar variation 516557 (VCV000516557.1), dbSNP rs945190511, ClinGen allele CA291113973.

ClinVar aggregate classification (germline): Likely benign (1 of 4 stars; one submission).

Allele frequency attached by ClinVar (database versions not stated): gnomAD exomes below 0.00001; gnomAD 0.00001; TOPMed 0.00001.
gnomAD v4.1: 4 of 1,614,050 alleles (0.00025%); highest among the groups gnomAD compares: Non-Finnish European, 0.00034%; no homozygotes.

Submission:

GeneDx
Classification: Likely benign. Last evaluated: 2018-02-23. Review status: criteria provided, single submitter. Criteria: GeneDx Variant Classification (06012015). Collection method: clinical testing. Allele origin: germline. Affected: yes.
Comment: This variant is considered likely benign or benign based on one or more of the following criteria: it is a conservative change, it occurs at a poorly conserved position in the protein, it is predicted to be benign by multiple in silico algorithms, and/or has population frequency not consistent with disease.